The following is an entry in ClinVar:

ClinVar aggregate classification (germline): Pathogenic (1 of 4 stars; one submission).

Conditions:
MECOM-associated syndrome. Identifiers: MedGen CN305607, MONDO:0100458.

Submission:

Wendy Chung Laboratory, Boston Children's Hospital
Classification: Pathogenic for MECOM-associated syndrome. Last evaluated: 2025-04-30. Review status: criteria provided, single submitter. Criteria: ACMG Guidelines, 2015. Collection method: research. Allele origin: de novo. Affected: yes. Observed: 1 variant allele.
Comment: NM_0004991.4:c.2860T>C; p.(Cys954Arg) is a DNA single thymine to cytosine base substitution missense variant. The variant is absent from gnomAD v.4.1 (PM2_supporting). The variant occurred de novo (PS2) and was observed in another unrelated proband (PMID: 29540340) (PS4_supporting). The variant is located in a conserved zinc finger domain (PMID: 19767769) (PM1). MECOM has a low rate of benign missense variation and missense variants are a common mechanism of MECOM-associated syndrome (PP2). Multiple lines of compuational evidence supprt a deleterious effect (AlphaMissense = 1, CADD = 31) (PP3).

Literature cited by the submitters: PubMed 29540340; PubMed 19767769.

NM_004991.4(MECOM):c.2860T>C (p.Cys954Arg)

Gene: MECOM (MDS1 and EVI1 complex locus; minus strand). Cytogenetic location: 3q26.2.
Variant type: single nucleotide variant.
Coding change: c.2860T>C on transcript NM_004991.4 (MANE Select); coding-DNA position 2860, T replaced by C.
Protein change: p.Cys954Arg; replaces cysteine 954 with arginine.
Molecular consequence: missense variant.
Genome position (GRCh38, 1-based): chr3:169,095,235, A>G on the plus strand (T>C on the coding strand, the complement: MECOM is on the minus strand). VCF-style: chr3-169095235-A-G. GRCh37 (hg19) VCF-style: chr3-168813023-A-G.
Other names: c.2491T>C, p.Cys831Arg (NM_001105077.4); c.2296T>C, p.Cys766Arg (NM_001105078.4, NM_001205194.2, NM_001366469.2 and 1 more transcripts); c.2272T>C, p.Cys758Arg (NM_001163999.2, NM_001366470.2); c.2269T>C, p.Cys757Arg (NM_001164000.2, NM_001366471.2, NM_001366472.2); c.2833T>C, p.Cys945Arg (NM_001366466.2); c.2299T>C, p.Cys767Arg (NM_001366467.2, NM_001366468.2); c.1861T>C, p.Cys621Arg (NM_001366473.2); c.1297T>C, p.Cys433Arg (NM_001366474.2); short protein forms C433R, C621R, C757R, C758R, C766R, C767R, C831R, C945R.
Identifiers: ClinVar variation 3900736 (VCV003900736.1).
Genomic context (GRCh38, chr3:169,095,235, plus strand): 5'-TATTGTGGATGTTGCGAACATGCCTTTGCAAGTTAGAAGATATGCTAAATGATCTGTCAC[A>G]GTATTTGCATCTGAAAAATAAACAAAGAGAAAATATTAGCAAGCACATTAAAAGGTATTT-3'
Protein context (NP_004982.2, residues 944-964): TGEQPYRCKY[Cys954Arg]DRSFSISSNL